The following is an entry in ClinVar:

ClinVar aggregate classification (germline): Uncertain significance (1 of 4 stars; one submission).

Conditions:
Dystonia 12 (DYT12). Also called: Rapid-Onset Dystonia-Parkinsonism (RDP); DYT-ATP1A3. Identifiers: Orphanet 71517, MedGen C1868681, MONDO:0007496, OMIM 128235.

Submission:

Labcorp Genetics (formerly Invitae), Labcorp
Classification: Uncertain significance for Dystonia 12. Last evaluated: 2023-02-03. Review status: criteria provided, single submitter. Criteria: Invitae Variant Classification Sherloc (09022015). Collection method: clinical testing. Allele origin: germline.
Comment: In summary, the available evidence is currently insufficient to determine the role of this variant in disease. Therefore, it has been classified as a Variant of Uncertain Significance. Advanced modeling of protein sequence and biophysical properties (such as structural, functional, and spatial information, amino acid conservation, physicochemical variation, residue mobility, and thermodynamic stability) performed at Invitae indicates that this missense variant is expected to disrupt ATP1A3 protein function. ClinVar contains an entry for this variant (Variation ID: 851574). This variant has not been reported in the literature in individuals affected with ATP1A3-related conditions. This variant is not present in population databases (gnomAD no frequency). This sequence change replaces proline, which is neutral and non-polar, with leucine, which is neutral and non-polar, at codon 1003 of the ATP1A3 protein (p.Pro1003Leu).

NM_152296.5(ATP1A3):c.3008C>T (p.Pro1003Leu)

Gene: ATP1A3 (ATPase Na+/K+ transporting subunit alpha 3; minus strand). Cytogenetic location: 19q13.2.
Variant type: single nucleotide variant.
Coding change: c.3008C>T on transcript NM_152296.5 (MANE Select); coding-DNA position 3008, C replaced by T.
Protein change: p.Pro1003Leu; replaces proline 1003 with leucine.
Molecular consequence: missense variant.
Genome position (GRCh38, 1-based): chr19:41,967,254, G>A on the plus strand (C>T on the coding strand, the complement: ATP1A3 is on the minus strand). VCF-style: chr19-41967254-G-A. GRCh37 (hg19) VCF-style: chr19-42471406-G-A.
Other names: c.3041C>T, p.Pro1014Leu (NM_001256213.2); c.3047C>T, p.Pro1016Leu (NM_001256214.2); short protein forms P1014L, P1016L, P1003L.
Identifiers: ClinVar variation 851574 (VCV000851574.8), dbSNP rs2075053042, ClinGen allele CA406034941.